The following is an entry in ClinVar:

ClinVar aggregate classification (germline): Uncertain significance (1 of 4 stars; one submission).

Allele frequency attached by ClinVar (database versions not stated): gnomAD exomes below 0.00001.
gnomAD v4.1: 3 of 1,614,010 alleles (0.00019%); highest among the groups gnomAD compares: East Asian, 0.0022%; no homozygotes.

Submission:

Labcorp Genetics (formerly Invitae), Labcorp
Classification: Uncertain significance. Last evaluated: 2025-03-17. Review status: criteria provided, single submitter. Criteria: Invitae Variant Classification Sherloc (09022015). Collection method: clinical testing. Allele origin: germline.
Comment: This sequence change replaces proline, which is neutral and non-polar, with leucine, which is neutral and non-polar, at codon 2828 of the VCAN protein (p.Pro2828Leu). This variant is not present in population databases (gnomAD no frequency). This variant has not been reported in the literature in individuals affected with VCAN-related conditions. ClinVar contains an entry for this variant (Variation ID: 1008021). An algorithm developed to predict the effect of missense changes on protein structure and function outputs the following: PolyPhen-2: "Benign". The leucine amino acid residue is found in multiple mammalian species, which suggests that this missense change does not adversely affect protein function. In summary, the available evidence is currently insufficient to determine the role of this variant in disease. Therefore, it has been classified as a Variant of Uncertain Significance.

NM_004385.5(VCAN):c.8483C>T (p.Pro2828Leu)

Genes: VCAN (versican; plus strand), VCAN-AS1 (VCAN antisense RNA 1; minus strand). Cytogenetic location: 5q14.3.
Variant type: single nucleotide variant.
Coding change: c.8483C>T on transcript NM_004385.5 (MANE Select); coding-DNA position 8483, C replaced by T.
Protein change: p.Pro2828Leu; replaces proline 2828 with leucine.
Molecular consequence: missense variant. On other transcripts: intron variant (2).
Genome position (GRCh38, 1-based): chr5:83,541,486, C>T. VCF-style: chr5-83541486-C-T. GRCh37 (hg19) VCF-style: chr5-82837305-C-T.
Other names: c.5522C>T, p.Pro1841Leu (NM_001164097.2); c.4004-4051C>T (NM_001164098.2); c.1043-4051C>T (NM_001126336.3); short protein forms P1841L, P2828L.
Identifiers: ClinVar variation 1008021 (VCV001008021.10), dbSNP rs1746988530, ClinGen allele CA360293487.